The following is an entry in ClinVar:

NM_004006.3(DMD):c.5548A>G (p.Lys1850Glu)

Gene: DMD (dystrophin; minus strand). Cytogenetic location: Xp21.1.
Variant type: single nucleotide variant.
Coding change: c.5548A>G on transcript NM_004006.3 (MANE Select); coding-DNA position 5548, A replaced by G.
Protein change: p.Lys1850Glu; replaces lysine 1850 with glutamic acid.
Molecular consequence: missense variant.
Genome position (GRCh38, 1-based): chrX:32,345,981, T>C on the plus strand (A>G on the coding strand, the complement: DMD is on the minus strand). VCF-style: chrX-32345981-T-C. GRCh37 (hg19) VCF-style: chrX-32364098-T-C.
Other names: c.5524A>G, p.Lys1842Glu (NM_000109.4); c.5536A>G, p.Lys1846Glu (NM_004009.3); c.5179A>G, p.Lys1727Glu (NM_004010.3); c.1525A>G, p.Lys509Glu (NM_004011.4); c.1516A>G, p.Lys506Glu (NM_004012.4); short protein forms K1850E, K1727E, K1846E, K1842E, K509E, K506E.
Identifiers: ClinVar variation 197077 (VCV000197077.21), dbSNP rs141261536, ClinGen allele CA245012.

ClinVar aggregate classification (germline): Conflicting classifications of pathogenicity. Review status: criteria provided, conflicting classifications (1 of 4 stars). 5 submissions from 5 submitters: Uncertain significance (2); Likely benign (3). Last evaluated 2026-03-27.

Conditions:
Cardiovascular phenotype. Identifiers: MedGen CN230736.
Duchenne muscular dystrophy (DMD). Also called: MUSCULAR DYSTROPHY, PSEUDOHYPERTROPHIC PROGRESSIVE, DUCHENNE TYPE; Duchenne Muscular Dystrophy (DMD). Identifiers: Orphanet 98896, MedGen C0013264, MONDO:0010679, OMIM 310200.

Allele frequency attached by ClinVar (database versions not stated): ExAC 0.00001; gnomAD exomes 0.00001 and 0.00002; gnomAD 0.00007 and 0.00008; ESP Exome Variant Server 0.00009; TOPMed 0.00017.
gnomAD v4.1: 28 of 1,207,733 alleles (0.0023%); highest among the groups gnomAD compares: African/African-American, 0.026%; no homozygotes.

Submissions (5):

Molecular Diagnostic Laboratory for Inherited Cardiovascular Disease, Montreal Heart Institute
Classification: Likely benign. Last evaluated: 2026-03-27. Review status: criteria provided, single submitter. Criteria: ACMG Guidelines, 2015. Collection method: clinical testing. Allele origin: germline. Affected: no.
Comment: BS1;BP1

Labcorp Genetics (formerly Invitae), Labcorp
Classification: Likely benign for Duchenne muscular dystrophy. Last evaluated: 2026-01-09. Review status: criteria provided, single submitter. Criteria: Invitae Variant Classification Sherloc (09022015). Collection method: clinical testing. Allele origin: germline.

Ambry Genetics
Classification: Uncertain significance for Cardiovascular phenotype. Last evaluated: 2024-08-27. Review status: criteria provided, single submitter. Criteria: Ambry Variant Classification Scheme 2023. Collection method: clinical testing. Allele origin: germline.
Comment: The p.K1850E variant (also known as c.5548A>G), located in coding exon 39 of the DMD gene, results from an A to G substitution at nucleotide position 5548. The lysine at codon 1850 is replaced by glutamic acid, an amino acid with similar properties. Based on data from gnomAD, the G allele has an overall frequency of 0.002% (5/204076) total alleles studied, including one hemizygote. The highest observed frequency was 0.02% (4/18957) of African/African-American alleles. This amino acid position is highly conserved in available vertebrate species. In addition, the in silico prediction for this alteration is inconclusive. Since supporting evidence is limited at this time, the clinical significance of this alteration remains unclear.

GeneDx
Classification: Likely benign. Last evaluated: 2018-06-20. Review status: criteria provided, single submitter. Criteria: GeneDx Variant Classification Process June 2021. Collection method: clinical testing. Allele origin: germline. Affected: yes.

Eurofins Ntd Llc (ga)
Classification: Uncertain significance. Last evaluated: 2015-08-03. Review status: criteria provided, single submitter. Criteria: EGL Classification Definitions 2015. Collection method: clinical testing. Allele origin: germline. Observed: 2 variant alleles, 2 heterozygotes.